The following is an entry in ClinVar:

NM_003579.4(RAD54L):c.2058C>A (p.Asn686Lys)

Genes: LRRC41 (leucine rich repeat containing 41; minus strand), RAD54L (RAD54 like; plus strand). Cytogenetic location: 1p34.1.
Variant type: single nucleotide variant.
Coding change: c.2058C>A on transcript NM_003579.4 (MANE Select); coding-DNA position 2058, C replaced by A.
Protein change: p.Asn686Lys; replaces asparagine 686 with lysine.
Molecular consequence: missense variant. On other transcripts: 3 prime UTR variant (1).
Genome position (GRCh38, 1-based): chr1:46,278,096, C>A. VCF-style: chr1-46278096-C-A. GRCh37 (hg19) VCF-style: chr1-46743768-C-A.
Other names: c.*769G>T (NM_006369.5); c.2058C>A, p.Asn686Lys (NM_001142548.2); c.1518C>A, p.Asn506Lys (NM_001370766.1); short protein forms N686K, N506K.
Identifiers: ClinVar variation 1785155 (VCV001785155.2), dbSNP rs1342846068, ClinGen allele CA340190899.

ClinVar aggregate classification (germline): Uncertain significance (1 of 4 stars; one submission).

Submission:

Ambry Genetics
Classification: Uncertain significance. Last evaluated: 2022-10-08. Review status: criteria provided, single submitter. Criteria: Ambry Variant Classification Scheme 2023. Collection method: clinical testing. Allele origin: germline.
Comment: The p.N686K variant (also known as c.2058C>A), located in coding exon 18 of the RAD54L gene, results from a C to A substitution at nucleotide position 2058. The asparagine at codon 686 is replaced by lysine, an amino acid with similar properties. This amino acid position is conserved. In addition, this alteration is predicted to be tolerated by in silico analysis. Since supporting evidence is limited at this time, the clinical significance of this alteration remains unclear.